The following is an entry in ClinVar:

NM_001256545.2(MEGF10):c.1976-9T>G

Gene: MEGF10 (multiple EGF like domains 10; plus strand). Cytogenetic location: 5q23.2.
Variant type: single nucleotide variant.
Coding change: c.1976-9T>G on transcript NM_001256545.2 (MANE Select); 9 bases into the intron before coding-DNA position 1976, T replaced by G.
Molecular consequence: intron variant.
Genome position (GRCh38, 1-based): chr5:127,435,352, T>G. VCF-style: chr5-127435352-T-G. GRCh37 (hg19) VCF-style: chr5-126771044-T-G.
Other names: c.1976-9T>G (NM_032446.3).
Identifiers: ClinVar variation 1497999 (VCV001497999.5), dbSNP rs759695616, ClinGen allele CA3391807.
Genomic context (GRCh38, chr5:127,435,352, plus strand): 5'-GTGCTAAGATTCTAGGGTTCTGCGAGAGGGGTTTTGATTGTGAGTTACTGACCTATAGCT[T>G]ATTCACAGTGTGTCCCAGTGGCAGATTTGGGAAAAACTGTGCAGGAATTTGTACCTGCAC-3'

ClinVar aggregate classification (germline): Uncertain significance (1 of 4 stars; one submission).

Conditions:
MEGF10-related myopathy (CMYO10A). Also called: Congenital myopathy 10A, severe variant. Identifiers: Orphanet 439212, MedGen C3280679, MONDO:0013731, OMIM 614399.

Allele frequency attached by ClinVar (database versions not stated): gnomAD exomes below 0.00001 and 0.00001; ExAC 0.00001.
gnomAD v4.1: 5 of 1,613,734 alleles (0.00031%); highest among the groups gnomAD compares: Non-Finnish European, 0.00042%; no homozygotes.

Submission:

Labcorp Genetics (formerly Invitae), Labcorp
Classification: Uncertain significance for MEGF10-related myopathy. Last evaluated: 2022-06-27. Review status: criteria provided, single submitter. Criteria: Invitae Variant Classification Sherloc (09022015). Collection method: clinical testing. Allele origin: germline.
Comment: In summary, the available evidence is currently insufficient to determine the role of this variant in disease. Therefore, it has been classified as a Variant of Uncertain Significance. Algorithms developed to predict the effect of sequence changes on RNA splicing suggest that this variant may disrupt the consensus splice site. This variant has not been reported in the literature in individuals affected with MEGF10-related conditions. This variant is present in population databases (rs759695616, gnomAD 0.0009%). This sequence change falls in intron 16 of the MEGF10 gene. It does not directly change the encoded amino acid sequence of the MEGF10 protein.